The following is an entry in ClinVar:

ClinVar aggregate classification (germline): Uncertain significance (1 of 4 stars; one submission).

Conditions:
Developmental and epileptic encephalopathy, 11 (DEE11). Also called: Early infantile epileptic encephalopathy 11. Identifiers: Orphanet 1934, MedGen C3150987, MONDO:0013388, OMIM 613721.
Seizures, benign familial infantile, 3 (BFIS3). Also called: CONVULSIONS, BENIGN FAMILIAL INFANTILE, 3; Familial neonatal seizures. Identifiers: Orphanet 140927, Orphanet 306, MedGen C1843140, MONDO:0011904, OMIM 607745.

Submission:

Labcorp Genetics (formerly Invitae), Labcorp
Classification: Uncertain significance for Seizures, benign familial infantile, 3; Developmental and epileptic encephalopathy, 11. Last evaluated: 2024-04-25. Review status: criteria provided, single submitter. Criteria: Invitae Variant Classification Sherloc (09022015). Collection method: clinical testing. Allele origin: germline.
Comment: This sequence change replaces valine, which is neutral and non-polar, with leucine, which is neutral and non-polar, at codon 848 of the SCN2A protein (p.Val848Leu). This variant is not present in population databases (gnomAD no frequency). This variant has not been reported in the literature in individuals affected with SCN2A-related conditions. Advanced modeling of protein sequence and biophysical properties (such as structural, functional, and spatial information, amino acid conservation, physicochemical variation, residue mobility, and thermodynamic stability) performed at Invitae indicates that this missense variant is expected to disrupt SCN2A protein function with a positive predictive value of 95%. In summary, the available evidence is currently insufficient to determine the role of this variant in disease. Therefore, it has been classified as a Variant of Uncertain Significance.

NM_001040142.2(SCN2A):c.2542G>C (p.Val848Leu)

Gene: SCN2A (sodium voltage-gated channel alpha subunit 2; plus strand). Cytogenetic location: 2q24.3.
Variant type: single nucleotide variant.
Coding change: c.2542G>C on transcript NM_001040142.2 (MANE Select); coding-DNA position 2542, G replaced by C.
Protein change: p.Val848Leu; replaces valine 848 with leucine.
Molecular consequence: missense variant.
Genome position (GRCh38, 1-based): chr2:165,342,449, G>C. VCF-style: chr2-165342449-G-C. GRCh37 (hg19) VCF-style: chr2-166198959-G-C.
Other names: c.2542G>C, p.Val848Leu (NM_001040143.2, NM_001371246.1, NM_001371247.1 and 1 more transcripts); short protein forms V848L.
Identifiers: ClinVar variation 3753660 (VCV003753660.2).